The following is an entry in ClinVar:

ClinVar aggregate classification (germline): Uncertain significance (1 of 4 stars; one submission).

Allele frequency attached by ClinVar (database versions not stated): gnomAD exomes below 0.00001.
gnomAD v4.1: 1 of 1,614,196 alleles (0.000062%); highest among the groups gnomAD compares: Admixed American, 0.0017%; no homozygotes.

Submission:

Ambry Genetics
Classification: Uncertain significance. Last evaluated: 2023-11-02. Review status: criteria provided, single submitter. Criteria: Ambry Variant Classification Scheme 2023. Collection method: clinical testing. Allele origin: germline.
Comment: The p.I314L variant (also known as c.940A>T), located in coding exon 3 of the ALPK2 gene, results from an A to T substitution at nucleotide position 940. The isoleucine at codon 314 is replaced by leucine, an amino acid with highly similar properties. This amino acid position is conserved. In addition, this alteration is predicted to be tolerated by in silico analysis. Since supporting evidence is limited at this time, the clinical significance of this alteration remains unclear.

NM_052947.4(ALPK2):c.940A>T (p.Ile314Leu)

Genes: ALPK2 (alpha kinase 2; minus strand), LOC114803473 (ALPK2 eExon liver enhancer; plus strand). Cytogenetic location: 18q21.31.
Variant type: single nucleotide variant.
Coding change: c.940A>T on transcript NM_052947.4 (MANE Select); coding-DNA position 940, A replaced by T.
Protein change: p.Ile314Leu; replaces isoleucine 314 with leucine.
Molecular consequence: missense variant.
Genome position (GRCh38, 1-based): chr18:58,579,836, T>A on the plus strand (A>T on the coding strand, the complement: ALPK2 is on the minus strand). VCF-style: chr18-58579836-T-A. GRCh37 (hg19) VCF-style: chr18-56247068-T-A.
Other names: short protein forms I314L.
Identifiers: ClinVar variation 1766873 (VCV001766873.2), dbSNP rs2518899660, ClinGen allele CA402566669.